The following is an entry in ClinVar:

ClinVar aggregate classification (germline): Likely benign. Review status: criteria provided, multiple submitters, no conflicts (2 of 4 stars). 3 submissions from 3 submitters: Likely benign (3). Last evaluated 2025-06-04.

Conditions:
Hereditary spastic paraplegia 39 (SPG39). Also called: Spastic Paraplegia Type 39 (SPG39); SPASTIC PARAPLEGIA 39, AUTOSOMAL RECESSIVE. Identifiers: Orphanet 139480, MedGen C2677586, MONDO:0012787, OMIM 612020.

Allele frequency attached by ClinVar (database versions not stated): TOPMed 0.00002; gnomAD exomes 0.00004; ExAC 0.00010.
gnomAD v4.1: 36 of 1,605,312 alleles (0.0022%); highest among the groups gnomAD compares: South Asian, 0.021%; 2 homozygotes.

Submissions (3):

Labcorp Genetics (formerly Invitae), Labcorp
Classification: Likely benign for Hereditary spastic paraplegia 39. Last evaluated: 2025-06-04. Review status: criteria provided, single submitter. Criteria: Invitae Variant Classification Sherloc (09022015). Collection method: clinical testing. Allele origin: germline.

Blueprint Genetics
Classification: Likely benign. Last evaluated: 2024-08-19. Review status: criteria provided, single submitter. Criteria: ACMG Guidelines, 2015. Collection method: clinical testing. Allele origin: germline.

CeGaT Center for Human Genetics Tuebingen
Classification: Likely benign. Last evaluated: 2023-08-01. Review status: criteria provided, single submitter. Criteria: CeGaT Center For Human Genetics Tuebingen Variant Classification Criteria Version 2. Collection method: clinical testing. Allele origin: germline. Affected: yes. Observed: 1 variant allele.
Comment: PNPLA6: BP4, BP7

NM_001166114.2(PNPLA6):c.4074G>A (p.Pro1358=)

Gene: PNPLA6 (patatin like domain 6, lysophospholipase; plus strand). Cytogenetic location: 19p13.2.
Variant type: single nucleotide variant.
Coding change: c.4074G>A on transcript NM_001166114.2 (MANE Select); coding-DNA position 4074, G replaced by A.
Protein change: p.Pro1358=; no amino-acid change (proline 1358 retained).
Molecular consequence: synonymous variant.
Genome position (GRCh38, 1-based): chr19:7,561,538, G>A. VCF-style: chr19-7561538-G-A. GRCh37 (hg19) VCF-style: chr19-7626424-G-A.
Other names: c.4104G>A, p.Pro1368= (NM_001166111.2); c.3879G>A, p.Pro1293= (NM_001166112.2); c.3960G>A, p.Pro1320= (NM_001166113.1, NM_006702.5).
Identifiers: ClinVar variation 700528 (VCV000700528.31), dbSNP rs372042160, ClinGen allele CA9140702.
Genomic context (GRCh38, chr19:7,561,538, plus strand): 5'-TCCCTCGCAGGAGGAGGAGAAGTCGATTCTCCGGCAACGACGCTGTCTGCCCCAGGAGCC[G>A]CCCGGCTCAGCCACAGATGCCTGAGGACCTCGACAGGGGTCACCCCCTCCCTCCCACCCC-3'
Protein context (NP_001159586.1, residues 1348-1365): LRQRRCLPQE[Pro1358=]PGSATDA